The following is an entry in ClinVar:

NM_018426.3(TMEM63B):c.1765C>T (p.Pro589Ser)

Genes: TMEM63B (transmembrane protein 63B; plus strand), LOC132089394 (Neanderthal introgressed variant-containing enhancer experimental_91884; plus strand). Cytogenetic location: 6p21.1.
Variant type: single nucleotide variant.
Coding change: c.1765C>T on transcript NM_018426.3 (MANE Select); coding-DNA position 1765, C replaced by T.
Protein change: p.Pro589Ser; replaces proline 589 with serine.
Molecular consequence: missense variant.
Genome position (GRCh38, 1-based): chr6:44,151,937, C>T. VCF-style: chr6-44151937-C-T. GRCh37 (hg19) VCF-style: chr6-44119674-C-T.
Other names: c.1765C>T, p.Pro589Ser (NM_001318792.1); short protein forms P589S.
Identifiers: ClinVar variation 5017182 (VCV005017182.1).

ClinVar aggregate classification (germline): Uncertain significance (1 of 4 stars; one submission).

gnomAD v4.1: 1 of 1,613,540 alleles (0.000062%); highest among the groups gnomAD compares: Non-Finnish European, 0.000085%; no homozygotes.

Submission:

GeneDx
Classification: Uncertain significance. Last evaluated: 2026-03-25. Review status: criteria provided, single submitter. Criteria: GeneDx Variant Classification Process June 2021. Collection method: clinical testing. Allele origin: germline.
Comment: Not observed at significant frequency in large population cohorts (gnomAD); In silico analysis supports that this missense variant has a deleterious effect on protein structure/function; Has not been previously published as pathogenic or benign to our knowledge